The following is an entry in ClinVar:

NM_138694.4(PKHD1):c.5611G>T (p.Glu1871Ter)

Gene: PKHD1 (PKHD1 ciliary IPT domain containing fibrocystin/polyductin; minus strand). Cytogenetic location: 6p12.2.
Variant type: single nucleotide variant.
Coding change: c.5611G>T on transcript NM_138694.4 (MANE Select); coding-DNA position 5611, G replaced by T.
Protein change: p.Glu1871Ter; replaces glutamic acid 1871 with a stop codon.
Molecular consequence: nonsense.
Genome position (GRCh38, 1-based): chr6:52,010,449, C>A on the plus strand (G>T on the coding strand, the complement: PKHD1 is on the minus strand). VCF-style: chr6-52010449-C-A. GRCh37 (hg19) VCF-style: chr6-51875247-C-A.
Other names: c.5611G>T, p.Glu1871Ter (NM_170724.3); c.5611G>T (NM_138694.3); short protein forms E1871*.
Identifiers: ClinVar variation 2677819 (VCV002677819.2), dbSNP rs2538116567, ClinGen allele CA364423563.
Genomic context (GRCh38, chr6:52,010,449, plus strand): 5'-CTGCCTCAGTTTCCATGGTAATGTTACAGGAGCTATTATAGATGAGAACTTCATCTCTTT[C>A]CAATTTAGGGCTGAAACGAGAGGGGAGGTTAAATGGGGTGTCATCAATCTTAATGAAATG-3'

ClinVar aggregate classification (germline): Likely pathogenic. Review status: criteria provided, multiple submitters, no conflicts (2 of 4 stars). 2 submissions from 2 submitters: Likely pathogenic (2). Last evaluated 2024-05-03.

Conditions:
Polycystic kidney disease 4 (PKD4). Also called: POLYCYSTIC KIDNEY AND HEPATIC DISEASE 1; POLYCYSTIC KIDNEY DISEASE, INFANTILE, TYPE I; PKD3; POLYCYSTIC KIDNEY DISEASE 4 WITH OR WITHOUT POLYCYSTIC LIVER DISEASE; Autosomal Recessive Polycystic Kidney Disease – PKHD1. Identifiers: MedGen C4540575, MONDO:0033004, OMIM 263200.
Autosomal recessive polycystic kidney disease (ARPKD). Also called: AR polycystic kidney disease. Identifiers: Orphanet 731, Orphanet 8378, MedGen C0085548, MeSH D017044, MONDO:0009889.

Submissions (2):

Natera, Inc.
Classification: Likely pathogenic for Autosomal recessive polycystic kidney disease. Last evaluated: 2024-05-03. Review status: criteria provided, single submitter. Criteria: Natera Variant Classification Schema (03/2026). Collection method: clinical testing. Allele origin: germline.
Comment: The c.5611G>T variant in PKHD1 is a nonsense variant predicted to introduce a stop codon at amino acid 1871. This variant is expected to result in nonsense mediated decay, truncation, or a dysfunctional protein product. This variant is rare in the general population with a frequency below the threshold expected for the associated phenotype(s). Given the available evidence, this variant is classified as Likely Pathogenic.

Baylor Genetics
Classification: Likely pathogenic for Polycystic kidney disease 4. Last evaluated: 2023-04-12. Review status: criteria provided, single submitter. Criteria: ACMG Guidelines, 2015. Collection method: clinical testing. Allele origin: unknown.